The following is an entry in ClinVar:

NM_000159.4(GCDH):c.1204C>T (p.Arg402Trp)

Gene: GCDH (glutaryl-CoA dehydrogenase; plus strand). Cytogenetic location: 19p13.13.
Variant type: single nucleotide variant.
Coding change: c.1204C>T on transcript NM_000159.4 (MANE Select); coding-DNA position 1204, C replaced by T.
Protein change: p.Arg402Trp; replaces arginine 402 with tryptophan.
Molecular consequence: missense variant. On other transcripts: non-coding transcript variant (2).
Genome position (GRCh38, 1-based): chr19:12,897,824, C>T. VCF-style: chr19-12897824-C-T. GRCh37 (hg19) VCF-style: chr19-13008638-C-T.
Other names: c.1204C>T, p.Arg402Trp (NM_013976.5); short protein forms R402W.
Identifiers: ClinVar variation 2085 (VCV000002085.109), dbSNP rs121434369, ClinGen allele CA252097.
Genomic context (GRCh38, chr19:12,897,824, plus strand): 5'-GCCCGCCAGGCCCGAGACATGCTGGGGGGGAATGGGATTTCTGACGAGTATCACGTGATC[C>T]GGCACGCCATGAACCTGGAGGCCGTGAACACCTACGAAGGTAGGAGCTGGACCTCAGAGG-3'
Protein context (NP_000150.1, residues 392-412): NGISDEYHVI[Arg402Trp]HAMNLEAVNT

ClinVar aggregate classification (germline): Pathogenic/Likely pathogenic. Review status: criteria provided, multiple submitters, no conflicts (2 of 4 stars). 30 submissions from 29 submitters: Pathogenic (26); Likely pathogenic (2). 2 of the submissions do not count toward it. Last evaluated 2026-04-07.

Conditions:
GCDH-related disorder. Also called: GCDH-related condition.
Inborn genetic diseases. Identifiers: MedGen C0950123, MeSH D030342.
Primary ciliary dyskinesia 29. Also called: CILIARY DYSKINESIA, PRIMARY, 29, WITHOUT SITUS INVERSUS. Identifiers: Orphanet 244, MedGen C4014534, MONDO:0014378, OMIM 615872.
Abnormality of metabolism/homeostasis. Identifiers: MedGen C4021768, HP:0001939.
Glutaric aciduria, type 1. Also called: GA I; Glutaricaciduria, type I; Glutaryl-CoA dehydrogenase deficiency; Glutaric acidemia type I; Glutaric Acidemia Type 1; Glutaricacidemia Type 1. Identifiers: Orphanet 25, MedGen C0268595, MONDO:0009281, OMIM 231670.

Allele frequency attached by ClinVar (database versions not stated): gnomAD 0.00019 and 0.00017; TOPMed 0.00022; gnomAD exomes 0.00032; ExAC 0.00022.
gnomAD v4.1: 375 of 1,613,810 alleles (0.023%); highest among the groups gnomAD compares: Admixed American, 0.055%; no homozygotes.

Submissions 1 to 13 of 30:

Dasa
Classification: Pathogenic. Last evaluated: 2026-04-07. Review status: criteria provided, single submitter. Criteria: DASA Assertion Criteria. Collection method: clinical testing. Allele origin: germline.
Comment: NM_000159.4(GCDH):c.1204C>T (p.Arg402Trp) is a missense variant that results in the substitution of arginine with tryptophan. The affected residue or protein region has prior evidence supporting clinical relevance. This variant has been recurrently observed in affected individuals with related phenotype in a genotype context consistent with recessive disease (PMID: 8900227; PMID: 18775954; PMID: 33965309; PMID: 10649503; PMID: 25762492). Functional evidence supports a deleterious effect on the gene or gene product (PMID: 8900227; PMID: 18775954; PMID: 33965309; PMID: 10649503; PMID: 25762492). Multiple computational predictions support a deleterious effect on the gene or gene product. The variant is present at low frequency in population datasets. Based on the available data, this variant is classified as pathogenic.

Labcorp Genetics (formerly Invitae), Labcorp
Classification: Pathogenic for Glutaric aciduria, type 1. Last evaluated: 2026-01-27. Review status: criteria provided, single submitter. Criteria: Invitae Variant Classification Sherloc (09022015). Collection method: clinical testing. Allele origin: germline.
Comment: This sequence change replaces arginine, which is basic and polar, with tryptophan, which is neutral and slightly polar, at codon 402 of the GCDH protein (p.Arg402Trp). This variant is present in population databases (rs121434369, gnomAD 0.07%). This missense change has been observed in individual(s) with glutaric acidemia I and is the most common cause of glutaric acidemia I in Europe (PMID: 8900227, 10649503, 11073722, 20732827, 28352331, 28438223). In at least one individual the data is consistent with being in trans (on the opposite chromosome) from a pathogenic variant. It has also been observed to segregate with disease in related individuals. ClinVar contains an entry for this variant (Variation ID: 2085). Invitae Evidence Modeling of protein sequence and biophysical properties (such as structural, functional, and spatial information, amino acid conservation, physicochemical variation, residue mobility, and thermodynamic stability) indicates that this missense variant is expected to disrupt GCDH protein function with a positive predictive value of 80%. Experimental studies have shown that this missense change affects GCDH function (PMID: 8900227, 18775954). For these reasons, this variant has been classified as Pathogenic.

First Genomix Gene Laboratory, Genetic Diagnostics Department
Classification: Pathogenic for Glutaric aciduria, type 1. Last evaluated: 2025-07-30. Review status: criteria provided, single submitter. Criteria: ACMG Guidelines, 2015. Collection method: clinical testing. Allele origin: germline. Inheritance: Autosomal recessive inheritance. Affected: no. Observed: 1 variant allele.

CeGaT Center for Human Genetics Tuebingen
Classification: Pathogenic. Last evaluated: 2025-07-01. Review status: criteria provided, single submitter. Criteria: CeGaT Center For Human Genetics Tuebingen Variant Classification Criteria Version 2. Collection method: clinical testing. Allele origin: germline. Affected: yes. Observed: 4 variant alleles.
Comment: GCDH: PM3:Very Strong, PM1, PM2, PM5, PP3, PS3:Supporting

Natera, Inc.
Classification: Pathogenic for Glutaric acidemia type 1. Last evaluated: 2025-06-30. Review status: criteria provided, single submitter. Criteria: Natera Variant Classification Schema (03/2026). Collection method: clinical testing. Allele origin: germline.
Comment: The c.1204C>T variant in GCDH is a missense variant predicted to cause substitution of arginine to tryptophan at amino acid 402. This variant is rare in the general population with a frequency below the threshold expected for the associated phenotype(s). This variant has been observed in one or more individuals affected with the associated recessive disease, as either homozygous or compound heterozygous with a second variant (PMID: 34504725, 10960496, 28062662). Computational prediction algorithms indicate this variant is likely to affect gene or protein function. Given the available evidence, this variant is classified as Pathogenic.

Centre of Medical Genetics, University Hospital Muenster
Classification: Pathogenic. Last evaluated: 2025-06-27. Review status: criteria provided, single submitter. Criteria: ACMG Guidelines, 2015. Collection method: clinical testing. Allele origin: unknown. Affected: yes. Observed: 1 variant allele, 1 homozygote.
Comment: ACMG categories: PM2,PM3,PM5_strong,PP3_mod

Revvity Omics, Revvity
Classification: Pathogenic for Glutaric aciduria, type 1. Last evaluated: 2025-03-17. Review status: criteria provided, single submitter. Criteria: ACMG Guidelines, 2015. Collection method: clinical testing. Allele origin: germline.

Laboratory of Genetics, Children's Clinical University Hospital Latvia
Classification: Pathogenic. Last evaluated: 2025-02-16. Review status: criteria provided, single submitter. Criteria: ACMG Guidelines, 2015. Collection method: clinical testing. Allele origin: germline. Affected: yes.

Blueprint Genetics
Classification: Pathogenic for GCDH-related disorders. Last evaluated: 2024-09-04. Review status: criteria provided, single submitter. Criteria: ACMG Guidelines, 2015. Collection method: clinical testing. Allele origin: germline. Affected: yes. Observed: 5 variant alleles.

Neuberg Centre For Genomic Medicine, NCGM
Classification: Pathogenic for Primary ciliary dyskinesia 29. Last evaluated: 2023-03-01. Review status: criteria provided, single submitter. Criteria: ACMG Guidelines, 2015. Collection method: clinical testing. Allele origin: germline. Inheritance: Autosomal recessive inheritance. Affected: yes.
Comment: The missense c.1204C>T(p.Arg402Trp) variant in GCDH gene has been reported previously in homozygous and compound heterozygous state in individuals affected with type I glutaric aciduria (Boy et al. 2017; Zayed et al. 2019). The variant is the most common missense change in individuals affected with type I glutaric aciduria (Zayed et al. 2019). Experimental studies show that this variant leads to rapid intramitochondrial degradation causing a significantly reduced protein compared with cells expressing wild-type protein (Keyser et al. 2008). The p.Arg402Trp variant is reported with an allele frequency of 0.03% in the gnomAD exomes database and is novel (not in any individuals) in 1000 Genomes database. This variant has been reported to the ClinVar database as Likely Pathogenic / Pathogenic (multiple submissions). The amino acid change p.Arg402Trp in GCDH is predicted as conserved by GERP++ and PhyloP across 100 vertebrates. The amino acid Arg at position 402 is changed to a Trp changing protein sequence and it might alter its composition and physico-chemical properties. For these reasons, this variant has been classified as Pathogenic.

Department of Pathology and Laboratory Medicine, Sinai Health System
Classification: Pathogenic for Glutaric aciduria, type 1. Last evaluated: 2022-07-08. Review status: criteria provided, single submitter. Criteria: ACMG Guidelines, 2015. Collection method: research. Allele origin: germline.

Ambry Genetics
Classification: Pathogenic for Inborn genetic diseases. Last evaluated: 2021-08-14. Review status: criteria provided, single submitter. Criteria: Ambry Variant Classification Scheme 2023. Collection method: clinical testing. Allele origin: germline.
Comment: The c.1204C>T (p.R402W) alteration is located in exon 11 (coding exon 10) of the GCDH gene. This alteration results from a C to T substitution at nucleotide position 1204, causing the arginine (R) at amino acid position 402 to be replaced by a tryptophan (W). Based on data from gnomAD, the T allele has an overall frequency of 0.03% (89/282634) total alleles studied. The highest observed frequency was 0.08% (19/25112) of European (Finnish) alleles. This mutation has been reported in the homozygous and compound heterozygous state in multiple individuals with GCDH-related glutaricadicuria (Biery, 1996; Busquets, 2000; Zayed, 2019; Pokora, 2019). In E. coli and BHK cells, GCDH activity was reduced compared to wild type (Biery, 1996; Keyser, 2008). This alteration is predicted to be deleterious by in silico analysis. Based on the available evidence, this alteration is classified as pathogenic.

Kariminejad - Najmabadi Pathology & Genetics Center
Classification: Pathogenic for Abnormality of metabolism/homeostasis. Last evaluated: 2021-07-10. Review status: criteria provided, single submitter. Criteria: ACMG Guidelines, 2015. Collection method: clinical testing. Allele origin: germline. Affected: yes.